The following is an entry in ClinVar:

NM_016247.4(IMPG2):c.2021C>T (p.Thr674Ile)

Gene: IMPG2 (interphotoreceptor matrix proteoglycan 2; minus strand). Cytogenetic location: 3q12.3.
Variant type: single nucleotide variant.
Coding change: c.2021C>T on transcript NM_016247.4 (MANE Select); coding-DNA position 2021, C replaced by T.
Protein change: p.Thr674Ile; replaces threonine 674 with isoleucine.
Molecular consequence: missense variant.
Genome position (GRCh38, 1-based): chr3:101,244,310, G>A on the plus strand (C>T on the coding strand, the complement: IMPG2 is on the minus strand). VCF-style: chr3-101244310-G-A. GRCh37 (hg19) VCF-style: chr3-100963154-G-A.
Other names: short protein forms T674I.
Identifiers: ClinVar variation 95747 (VCV000095747.27), dbSNP rs571391, ClinGen allele CA148791.
Genomic context (GRCh38, chr3:101,244,310, plus strand): 5'-GCAGTATCTGCGAAGATGGGCACAGCAGGCCCACTAAGAGGCTCTTCCTCTGGAAAGTGT[G>A]TGGATCTGTCATCATGTTCATATTTTGAGTGCTTACTAATTTGGTCTGTGGAATCCATTT-3'
Protein context (NP_057331.2, residues 664-684): HSKYEHDDRS[Thr674Ile]HFPEEEPLSG

ClinVar aggregate classification (germline): Benign. Review status: criteria provided, multiple submitters, no conflicts (2 of 4 stars). 9 submissions from 8 submitters: Benign (7). 2 of the submissions do not count toward it. Last evaluated 2026-02-04.

Conditions:
Vitelliform macular dystrophy 5. Identifiers: Orphanet 99000, MedGen C4015343, MONDO:0014509, OMIM 616152.
Retinal dystrophy. Also called: Inherited retinal dystrophy. Identifiers: Orphanet 71862, MedGen C0854723, MeSH D058499, MONDO:0019118, HP:0000556.
Retinitis pigmentosa (RP). Identifiers: Orphanet 791, MedGen C0035334, MeSH D012174, MONDO:0019200, OMIM 268000. Inheritance: Autosomal dominant, autosomal recessive and X linked inheritance.
Retinitis pigmentosa 56 (RP56). Identifiers: Orphanet 791, MedGen C3150819, MONDO:0013314, OMIM 613581.

Allele frequency attached by ClinVar (database versions not stated): ESP Exome Variant Server 0.63501; TOPMed 0.63924; ExAC 0.65163; gnomAD exomes 0.65163 and 0.65403; gnomAD 0.64735 and 0.64801; 1000 Genomes Project 0.64916; 1000 Genomes Project 30x 0.64928.
gnomAD v4.1: 1,049,626 of 1,613,584 alleles (65%); highest among the groups gnomAD compares: Admixed American, 72%; 342,976 homozygotes.

Submissions (9):

Labcorp Genetics (formerly Invitae), Labcorp
Classification: Benign. Last evaluated: 2026-02-04. Review status: criteria provided, single submitter. Criteria: Invitae Variant Classification Sherloc (09022015). Collection method: clinical testing. Allele origin: germline.

Dept Of Ophthalmology, Nagoya University
Classification: Benign for Retinal dystrophy. Last evaluated: 2023-10-01. Review status: criteria provided, single submitter. Criteria: Submitter's publication. Collection method: research. Allele origin: germline. Affected: yes.

Genome-Nilou Lab
Classification: Benign for Vitelliform macular dystrophy 5. Last evaluated: 2021-08-19. Review status: criteria provided, single submitter. Criteria: ACMG Guidelines, 2015. Collection method: clinical testing. Allele origin: germline. Affected: no.

Genome-Nilou Lab
Classification: Benign for Retinitis pigmentosa 56. Last evaluated: 2021-08-19. Review status: criteria provided, single submitter. Criteria: ACMG Guidelines, 2015. Collection method: clinical testing. Allele origin: germline. Affected: no.

Illumina Laboratory Services, Illumina
Classification: Benign for Retinitis pigmentosa. Last evaluated: 2018-01-12. Review status: criteria provided, single submitter. Criteria: ICSL Variant Classification Criteria 13 December 2019. Collection method: clinical testing. Allele origin: germline.
Comment: This variant was observed in the ICSL laboratory as part of a predisposition screen in an ostensibly healthy population. It had not been previously curated by ICSL or reported in the Human Gene Mutation Database (HGMD: prior to June 1st, 2018), and was therefore a candidate for classification through an automated scoring system. Utilizing variant allele frequency, disease prevalence and penetrance estimates, and inheritance mode, an automated score was calculated to assess if this variant is too frequent to cause the disease. Based on the score and internal cut-off values, a variant classified as benign is not then subjected to further curation. The score for this variant resulted in a classification of benign for this disease.

Eurofins Ntd Llc (ga)
Classification: Benign. Last evaluated: 2013-08-09. Review status: criteria provided, single submitter. Criteria: EGL Classification Definitions 2015. Collection method: clinical testing. Allele origin: germline. Observed: 8 variant alleles, 4 heterozygotes, 4 homozygotes.

Breakthrough Genomics
Classification: Benign. Review status: criteria provided, single submitter. Criteria: ACMG Guidelines, 2015. Collection method: not provided. Allele origin: germline. Inheritance: Autosomal recessive inheritance. Affected: yes.

Diagnostic Laboratory, Department of Genetics, University Medical Center Groningen
Classification: Benign. Review status: no assertion criteria provided. Collection method: clinical testing. Allele origin: germline. Affected: yes. Study: VKGL Data-share Consensus. Not counted in ClinVar's aggregate classification.

Joint Genome Diagnostic Labs from Nijmegen and Maastricht, Radboudumc and MUMC+
Classification: Benign. Review status: no assertion criteria provided. Collection method: clinical testing. Allele origin: germline. Affected: yes. Study: VKGL Data-share Consensus. Not counted in ClinVar's aggregate classification.